The following is an entry in ClinVar:

ClinVar aggregate classification (germline): Uncertain significance. Review status: criteria provided, multiple submitters, no conflicts (2 of 4 stars). 2 submissions from 2 submitters: Uncertain significance (2). Last evaluated 2024-12-04.

Conditions:
Inborn genetic diseases. Identifiers: MedGen C0950123, MeSH D030342.
Pulmonary hypertension, primary, 1 (PPH1). Also called: Pulmonary hypertension, familial primary, 1, with or without HHT. Identifiers: Orphanet 422, MedGen C4552070, MONDO:0024533, OMIM 178600.
Pulmonary venoocclusive disease 1 (PVOD1). Also called: Pulmonary venoocclusive disease 1, autosomal dominant. Identifiers: Orphanet 31837, MedGen C3887658, MONDO:0020713, OMIM 265450.

gnomAD v4.1: 2 of 1,614,026 alleles (0.00012%); highest among the groups gnomAD compares: Non-Finnish European, 0.000085%; no homozygotes.

Submissions (2):

Ambry Genetics
Classification: Uncertain significance for Inborn genetic diseases. Last evaluated: 2024-12-04. Review status: criteria provided, single submitter. Criteria: Ambry Variant Classification Scheme 2023. Collection method: clinical testing. Allele origin: germline.
Comment: The p.T65I variant (also known as c.194C>T), located in coding exon 2 of the BMPR2 gene, results from a C to T substitution at nucleotide position 194. The threonine at codon 65 is replaced by isoleucine, an amino acid with similar properties. This amino acid position is conserved. In addition, the in silico prediction for this alteration is inconclusive. Based on the available evidence, the clinical significance of this variant remains unclear.

Fulgent Genetics
Classification: Uncertain significance for Pulmonary hypertension, primary, 1; Pulmonary venoocclusive disease 1. Last evaluated: 2024-03-20. Review status: criteria provided, single submitter. Criteria: ACMG Guidelines, 2015. Collection method: clinical testing. Allele origin: germline.

NM_001204.7(BMPR2):c.194C>T (p.Thr65Ile)

Gene: BMPR2 (bone morphogenetic protein receptor type 2; plus strand). Cytogenetic location: 2q33.1.
Variant type: single nucleotide variant.
Coding change: c.194C>T on transcript NM_001204.7 (MANE Select); coding-DNA position 194, C replaced by T.
Protein change: p.Thr65Ile; replaces threonine 65 with isoleucine.
Molecular consequence: missense variant.
Genome position (GRCh38, 1-based): chr2:202,464,926, C>T. VCF-style: chr2-202464926-C-T. GRCh37 (hg19) VCF-style: chr2-203329649-C-T.
Other names: short protein forms T65I.
Identifiers: ClinVar variation 3481338 (VCV003481338.2).